The following is an entry in ClinVar:

NM_018972.4(GDAP1):c.568A>G (p.Lys190Glu)

Gene: GDAP1 (ganglioside induced differentiation associated protein 1; plus strand). Cytogenetic location: 8q21.11.
Variant type: single nucleotide variant.
Coding change: c.568A>G on transcript NM_018972.4 (MANE Select); coding-DNA position 568, A replaced by G.
Protein change: p.Lys190Glu; replaces lysine 190 with glutamic acid.
Molecular consequence: missense variant.
Genome position (GRCh38, 1-based): chr8:74,361,967, A>G. VCF-style: chr8-74361967-A-G. GRCh37 (hg19) VCF-style: chr8-75274202-A-G.
Other names: c.364A>G, p.Lys122Glu (NM_001040875.4); c.241A>G, p.Lys81Glu (NM_001362929.2, NM_001362932.2); c.394A>G, p.Lys132Glu (NM_001362930.2); c.568A>G, p.Lys190Glu (NM_001362931.2); short protein forms K81E, K122E, K190E, K132E.
Identifiers: ClinVar variation 1046931 (VCV001046931.8), dbSNP rs1809389662, ClinGen allele CA371549290.
Genomic context (GRCh38, chr8:74,361,967, plus strand): 5'-GAGCTGAAGAAACTTGCTGAAGAAAACCCAGATTTACAAGAAGCATACATTGCAAAACAG[A>G]AACGACTTAAAGTAAGCCAATCAGCTGTCCTCAGTTGACATACACTGCACGGAGTAAATG-3'
Protein context (NP_061845.2, residues 180-200): DLQEAYIAKQ[Lys190Glu]RLKSKLLDHD

ClinVar aggregate classification (germline): Uncertain significance (1 of 4 stars; one submission).

Conditions:
Charcot-Marie-Tooth disease type 4A. Also called: Charcot-Marie-Tooth disease, demyelinating, autosomal recessive, type 4a. Identifiers: Orphanet 99948, MedGen C1859198, MONDO:0008961, OMIM 214400.

Submission:

Labcorp Genetics (formerly Invitae), Labcorp
Classification: Uncertain significance for Charcot-Marie-Tooth disease type 4A. Last evaluated: 2020-10-06. Review status: criteria provided, single submitter. Criteria: Invitae Variant Classification Sherloc (09022015). Collection method: clinical testing. Allele origin: germline.
Comment: In summary, the available evidence is currently insufficient to determine the role of this variant in disease. Therefore, it has been classified as a Variant of Uncertain Significance. This sequence change replaces lysine with glutamic acid at codon 190 of the GDAP1 protein (p.Lys190Glu). The lysine residue is moderately conserved and there is a small physicochemical difference between lysine and glutamic acid. This variant is not present in population databases (ExAC no frequency). This variant has not been reported in the literature in individuals with GDAP1-related conditions. Advanced modeling of protein sequence and biophysical properties (such as structural, functional, and spatial information, amino acid conservation, physicochemical variation, residue mobility, and thermodynamic stability) performed at Invitae indicates that this missense variant is expected to disrupt GDAP1 protein function.